The following is an entry in ClinVar:

NM_006506.5(RASA2):c.1576C>T (p.Arg526Ter)

Gene: RASA2 (RAS p21 protein activator 2; plus strand). Cytogenetic location: 3q23.
Variant type: single nucleotide variant.
Coding change: c.1576C>T on transcript NM_006506.5 (MANE Select); coding-DNA position 1576, C replaced by T.
Protein change: p.Arg526Ter; replaces arginine 526 with a stop codon.
Molecular consequence: nonsense.
Genome position (GRCh38, 1-based): chr3:141,577,092, C>T. VCF-style: chr3-141577092-C-T. GRCh37 (hg19) VCF-style: chr3-141295934-C-T.
Other names: c.1576C>T, p.Arg526Ter (NM_001303245.3, NM_001303246.3); short protein forms R526*.
Identifiers: ClinVar variation 2196448 (VCV002196448.4), dbSNP rs756541842, ClinGen allele CA2645545.

ClinVar aggregate classification (germline): Uncertain significance (1 of 4 stars; one submission).

Allele frequency attached by ClinVar (database versions not stated): ExAC 0.00001; gnomAD 0.00001; gnomAD exomes 0.00001.
gnomAD v4.1: 19 of 1,593,972 alleles (0.0012%); highest among the groups gnomAD compares: South Asian, 0.0022%; no homozygotes.

Submission:

Labcorp Genetics (formerly Invitae), Labcorp
Classification: Uncertain significance. Last evaluated: 2022-06-24. Review status: criteria provided, single submitter. Criteria: Invitae Variant Classification Sherloc (09022015). Collection method: clinical testing. Allele origin: germline.
Comment: In summary, the available evidence is currently insufficient to determine the role of this variant in disease. Therefore, it has been classified as a Variant of Uncertain Significance. This variant has not been reported in the literature in individuals affected with RASA2-related conditions. This variant is present in population databases (rs756541842, gnomAD 0.003%). This sequence change creates a premature translational stop signal (p.Arg526*) in the RASA2 gene. It is expected to result in an absent or disrupted protein product. However, the current clinical and genetic evidence is not sufficient to establish whether loss-of-function variants in RASA2 cause disease.